The following is an entry in ClinVar:

ClinVar aggregate classification (germline): Uncertain significance (1 of 4 stars; one submission).

gnomAD v4.1: 15 of 1,614,090 alleles (0.00093%); highest among the groups gnomAD compares: Non-Finnish European, 0.0012%; no homozygotes.

Submission:

Labcorp Genetics (formerly Invitae), Labcorp
Classification: Uncertain significance. Last evaluated: 2022-09-19. Review status: criteria provided, single submitter. Criteria: Invitae Variant Classification Sherloc (09022015). Collection method: clinical testing. Allele origin: germline.
Comment: This sequence change replaces phenylalanine, which is neutral and non-polar, with leucine, which is neutral and non-polar, at codon 268 of the FCHO1 protein (p.Phe268Leu). This variant is present in population databases (rs144767216, gnomAD 0.003%). This variant has not been reported in the literature in individuals affected with FCHO1-related conditions. ClinVar contains an entry for this variant (Variation ID: 1472146). Algorithms developed to predict the effect of missense changes on protein structure and function are either unavailable or do not agree on the potential impact of this missense change (SIFT: "Deleterious"; PolyPhen-2: "Possibly Damaging"; Align-GVGD: "Class C0"). In summary, the available evidence is currently insufficient to determine the role of this variant in disease. Therefore, it has been classified as a Variant of Uncertain Significance.

NM_015122.3(FCHO1):c.804C>G (p.Phe268Leu)

Gene: FCHO1 (FCH and mu domain containing endocytic adaptor 1; plus strand). Cytogenetic location: 19p13.11.
Variant type: single nucleotide variant.
Coding change: c.804C>G on transcript NM_015122.3 (MANE Select); coding-DNA position 804, C replaced by G.
Protein change: p.Phe268Leu; replaces phenylalanine 268 with leucine.
Molecular consequence: missense variant. On other transcripts: non-coding transcript variant (36), intron variant (1).
Genome position (GRCh38, 1-based): chr19:17,774,252, C>G. VCF-style: chr19-17774252-C-G. GRCh37 (hg19) VCF-style: chr19-17885061-C-G.
Other names: c.804C>G, p.Phe268Leu (NM_001161357.2, NM_001161358.2, NM_001384370.1 and 25 more transcripts); c.654C>G, p.Phe218Leu (NM_001161359.2, NM_001384384.1, NM_001384385.1 and 3 more transcripts); c.765C>G, p.Phe255Leu (NM_001384388.1, NM_001384389.1, NM_001384405.1); c.729C>G, p.Phe243Leu (NM_001384390.1); c.791-142C>G (NM_001384403.1); short protein forms F268L, F255L, F218L, F243L.
Identifiers: ClinVar variation 1472146 (VCV001472146.3), dbSNP rs144767216, ClinGen allele CA9300240.